The following is an entry in ClinVar:

NM_000492.4(CFTR):c.1392+1G>A

Genes: CFTR (CF transmembrane conductance regulator; plus strand), CFTR-AS1 (CFTR antisense RNA 1; minus strand). Cytogenetic location: 7q31.2.
Variant type: single nucleotide variant.
Coding change: c.1392+1G>A on transcript NM_000492.4 (MANE Select); the canonical splice donor site of the intron after coding-DNA position 1392, G replaced by A.
Molecular consequence: splice donor variant.
Genome position (GRCh38, 1-based): chr7:117,548,824, G>A. VCF-style: chr7-117548824-G-A. GRCh37 (hg19) VCF-style: chr7-117188878-G-A.
Other names: 1524+1G->A.
Identifiers: ClinVar variation 53239 (VCV000053239.8), dbSNP rs397508197, ClinGen allele CA326464.

ClinVar aggregate classification (germline): Pathogenic/Likely pathogenic. Review status: criteria provided, multiple submitters, no conflicts (2 of 4 stars). 6 submissions from 6 submitters: Pathogenic (3); Likely pathogenic (3). Last evaluated 2025-09-02.

Conditions:
CFTR-related disorder (CFTR-RD). Also called: CFTR-related disorders; CFTR-related condition. Identifiers: MedGen C5924204, MONDO:7770004.
Cystic fibrosis (CF). Also called: MUCOVISCIDOSIS. Identifiers: Orphanet 586, MedGen C0010674, MONDO:0009061, OMIM 219700. Disease mechanism: loss of function.

Submissions (6):

Labcorp Genetics (formerly Invitae), Labcorp
Classification: Pathogenic for Cystic fibrosis. Last evaluated: 2025-09-02. Review status: criteria provided, single submitter. Criteria: Invitae Variant Classification Sherloc (09022015). Collection method: clinical testing. Allele origin: germline.
Comment: This sequence change affects a donor splice site in intron 10 of the CFTR gene. It is expected to disrupt RNA splicing. Variants that disrupt the donor or acceptor splice site typically lead to a loss of protein function (PMID: 16199547), and loss-of-function variants in CFTR are known to be pathogenic (PMID: 1695717, 7691345, 9725922). This variant is not present in population databases (gnomAD no frequency). Disruption of this splice site has been observed in individual(s) with cystic fibrosis (PMID: 24586523, 34782259). In at least one individual the data is consistent with being in trans (on the opposite chromosome) from a pathogenic variant. ClinVar contains an entry for this variant (Variation ID: 53239). Algorithms developed to predict the effect of sequence changes on RNA splicing suggest that this variant may disrupt the consensus splice site. For these reasons, this variant has been classified as Pathogenic.

Ambry Genetics
Classification: Likely pathogenic for Cystic fibrosis. Last evaluated: 2024-06-28. Review status: criteria provided, single submitter. Criteria: Ambry Variant Classification Scheme 2023. Collection method: clinical testing. Allele origin: germline.
Comment: The c.1392+1G>A intronic variant results from a G to A substitution one nucleotide after coding exon 10 of the CFTR gene. This variant was detected in a cystic fibrosis and CFTR-related disorders cohort, but clinical details were limited (Raraigh KS et al. J Cyst Fibros, 2022 May;21:463-470). Alterations that disrupt the canonical splice site are expected to result in aberrant splicing. In silico splice site analysis predicts that this alteration will weaken the native splice donor site and may result in the creation or strengthening of a novel splice donor site. The resulting transcript is predicted to be in-frame and is not expected to trigger nonsense-mediated mRNAdecay; however, direct evidence is unavailable. The exact functional effect of the altered amino acid sequence is unknown; however, the impacted region is critical for protein function (Ambry internal data). This nucleotide position is highly conserved in available vertebrate species. Based on the majority of available evidence to date, this variant is likely to be pathogenic.

Natera, Inc.
Classification: Pathogenic for CFTR-related disorders. Last evaluated: 2024-03-04. Review status: criteria provided, single submitter. Criteria: Natera Variant Classification Schema (03/2026). Collection method: clinical testing. Allele origin: germline.
Comment: The c.1392+1G>A variant in CFTR is a canonical splice donor site variant predicted to affect pre-mRNA splicing, which may result in an abnormal transcript and altered protein product. This variant is expected to result in nonsense mediated decay, truncation, or a dysfunctional protein product. This variant is rare in the general population with a frequency below the threshold expected for the associated phenotype(s). This variant has been observed in one or more individuals affected with the associated recessive disease, as either homozygous or compound heterozygous with a second variant (PMID: 26160248, 24586523, 27324468, 28106773). Given the available evidence, this variant is classified as Pathogenic.

Neuberg Centre For Genomic Medicine, NCGM
Classification: Likely pathogenic for Cystic fibrosis. Last evaluated: 2023-07-22. Review status: criteria provided, single submitter. Criteria: ACMG Guidelines, 2015. Collection method: clinical testing. Allele origin: germline. Inheritance: Autosomal recessive inheritance. Affected: yes.
Comment: The observed splice donor variant c.1392+1G>A in CFTR gene has been reported previously in individuals with Cystic fibrosis Ziętkiewicz E, et al., 2014. The c.1392+1G>A variant is absent in gnomAD Exomes. It has been submitted to ClinVar as Likely Pathogenic/Pathogenic. The variant is predicted to be damaging by SpliceAI Prediction. However, experimental studies on the pathogenicity of the variant are not available. For these reasons, this variant has been classified as Likely Pathogenic

Institute of Human Genetics, University of Leipzig Medical Center
Classification: Likely pathogenic for Cystic fibrosis. Last evaluated: 2022-09-05. Review status: criteria provided, single submitter. Criteria: ACMG Guidelines, 2015. Collection method: curation. Allele origin: unknown. Affected: yes. Observed: 5 variant alleles.
Comment: This variant was identified in 5 unrelated patients with a clinically confirmed diagnosis of cystic fibrosis. The variant was classified in the context of a project re-classifying variants in the German Cystic Fibrosis Registry (Muko.e.V.). Criteria applied: PM2_SUP, PM3_STR, PM4, PP4

Johns Hopkins Genomics, Johns Hopkins University
Classification: Pathogenic for Cystic fibrosis. Last evaluated: 2019-10-15. Review status: criteria provided, single submitter. Criteria: ACMG Guidelines, 2015. Collection method: clinical testing. Allele origin: germline.
Comment: This CFTR variant has been identified in multiple patients with cystic fibrosis who also carry a second disease-causing CFTR variant. It is absent from large population databases. This variant destroys a canonical splice donor site of exon 10 (legacy exon 9) and is predicted to cause abnormal gene splicing. We consider this variant to be pathogenic.

Literature cited by the submitters: PubMed 16199547 (cited by Labcorp Genetics (formerly Invitae), Labcorp); PubMed 1695717 (cited by Labcorp Genetics (formerly Invitae), Labcorp); PubMed 7691345 (cited by Labcorp Genetics (formerly Invitae), Labcorp); PubMed 9725922 (cited by Labcorp Genetics (formerly Invitae), Labcorp); PubMed 24586523 (cited by Labcorp Genetics (formerly Invitae), Labcorp and Natera, Inc.); PubMed 34782259 (cited by Labcorp Genetics (formerly Invitae), Labcorp and Ambry Genetics); PubMed 26160248 (cited by Natera, Inc.); PubMed 27324468 (cited by Natera, Inc.); PubMed 28106773 (cited by Natera, Inc.).